The following is an entry in ClinVar:

NM_004186.5(SEMA3F):c.721A>C (p.Thr241Pro)

Gene: SEMA3F (semaphorin 3F; plus strand). Cytogenetic location: 3p21.31.
Variant type: single nucleotide variant.
Coding change: c.721A>C on transcript NM_004186.5 (MANE Select); coding-DNA position 721, A replaced by C.
Protein change: p.Thr241Pro; replaces threonine 241 with proline.
Molecular consequence: missense variant.
Genome position (GRCh38, 1-based): chr3:50,182,361, A>C. VCF-style: chr3-50182361-A-C. GRCh37 (hg19) VCF-style: chr3-50219794-A-C.
Other names: c.424A>C, p.Thr142Pro (NM_001318798.2); c.628A>C, p.Thr210Pro (NM_001318800.2); short protein forms T241P, T210P, T142P.
Identifiers: ClinVar variation 4984355 (VCV004984355.1).

ClinVar aggregate classification (germline): Uncertain significance (1 of 4 stars; one submission).

Conditions:
SEMA3F-related disorder. Also called: SEMA3F-related condition.

Submission:

PreventionGenetics, part of Exact Sciences
Classification: Uncertain significance for SEMA3F-related condition. Last evaluated: 2024-12-28. Review status: criteria provided, single submitter. Criteria: ACMG Guidelines, 2015. Collection method: clinical testing. Allele origin: germline.
Comment: The SEMA3F c.721A>C variant is predicted to result in the amino acid substitution p.Thr241Pro. To our knowledge, this variant has not been reported in the literature or in a large population database (gnomad), indicating this variant is rare. At this time, the clinical significance of this variant is uncertain due to the absence of conclusive functional and genetic evidence.